The following is an entry in ClinVar:

NM_004820.5(CYP7B1):c.94dup (p.Ala32fs)

Gene: CYP7B1 (cytochrome P450 family 7 subfamily B member 1; minus strand). Cytogenetic location: 8q12.3.
Variant type: Duplication.
Coding change: c.94dup on transcript NM_004820.5 (MANE Select); coding-DNA position 94, one base duplicated (G; older notation c.94dupG).
Protein change: p.Ala32fs; shifts the reading frame from alanine 32.
Molecular consequence: frameshift variant.
Genome position (GRCh38, 1-based): chr8:64,798,494, C duplicated on the plus strand (G on the coding strand, the reverse complement: CYP7B1 is on the minus strand); the first of 2 consecutive C bases (chr8:64,798,494-64,798,495); duplicating either gives the same sequence. VCF-style (leftmost placement, unchanged base first): chr8-64798493-G-GC. GRCh37 (hg19) VCF-style: chr8-65711050-G-GC.
Other names: c.94dup, p.Ala32fs (NM_001324112.2); short protein forms A32fs.
Identifiers: ClinVar variation 2018998 (VCV002018998.4), dbSNP rs2536112446, ClinGen allele CA2580078861.

ClinVar aggregate classification (germline): Pathogenic (1 of 4 stars; one submission).

Conditions:
Spastic paraplegia. Identifiers: MedGen C0037772, HP:0001258.

Submission:

Labcorp Genetics (formerly Invitae), Labcorp
Classification: Pathogenic for Spastic paraplegia. Last evaluated: 2022-07-22. Review status: criteria provided, single submitter. Criteria: Invitae Variant Classification Sherloc (09022015). Collection method: clinical testing. Allele origin: germline.
Comment: For these reasons, this variant has been classified as Pathogenic. This variant has not been reported in the literature in individuals affected with CYP7B1-related conditions. This sequence change creates a premature translational stop signal (p.Ala32Glyfs*14) in the CYP7B1 gene. It is expected to result in an absent or disrupted protein product. Loss-of-function variants in CYP7B1 are known to be pathogenic (PMID: 9802883, 19363635, 19439420, 21541746, 21567895, 28039895). This variant is not present in population databases (gnomAD no frequency).

Literature cited by the submitters: PubMed 9802883; PubMed 19363635; PubMed 19439420; PubMed 21541746; PubMed 21567895; PubMed 28039895.